The following is an entry in ClinVar:

NM_000372.5(TYR):c.1146C>A (p.Asn382Lys)

Gene: TYR (tyrosinase; plus strand). Cytogenetic location: 11q14.3.
Variant type: single nucleotide variant.
Coding change: c.1146C>A on transcript NM_000372.5 (MANE Select); coding-DNA position 1146, C replaced by A.
Protein change: p.Asn382Lys; replaces asparagine 382 with lysine.
Molecular consequence: missense variant.
Genome position (GRCh38, 1-based): chr11:89,227,932, C>A. VCF-style: chr11-89227932-C-A. GRCh37 (hg19) VCF-style: chr11-88961100-C-A.
Other names: short protein forms N382K.
Identifiers: ClinVar variation 3786 (VCV000003786.10), dbSNP rs104894315, ClinGen allele CA227506.
Genomic context (GRCh38, chr11:89,227,932, plus strand): 5'-GCACAATGCCTTGCACATCTATATGAATGGAACAATGTCCCAGGTACAGGGATCTGCCAA[C>A]GATCCTATCTTCCTTCTTCACCATGCATTTGTTGACAGGTTGGTTAATATTTCTTTATAA-3'
Protein context (NP_000363.1, residues 372-392): GTMSQVQGSA[Asn382Lys]DPIFLLHHAF

ClinVar aggregate classification (germline): Pathogenic. Review status: criteria provided, multiple submitters, no conflicts (2 of 4 stars). 6 submissions from 6 submitters: Pathogenic (4). 2 of the submissions do not count toward it. Last evaluated 2025-10-29.

Conditions:
SKIN/HAIR/EYE PIGMENTATION 3, LIGHT/DARK SKIN (SHEP3). Also called: EYE COLOR 1; EYE COLOR, GREEN/BLUE; SKIN/HAIR/EYE PIGMENTATION 3, BLUE/GREEN EYE COLOR; SKIN/HAIR/EYE PIGMENTATION 3, FRECKLING; SKIN/HAIR/EYE PIGMENTATION, VARIATION IN, 3. Identifiers: MedGen C2677190, OMIM 601800.
Oculocutaneous albinism type 1A (OCA1A). Also called: Albinism, oculocutaneous, type IA. Identifiers: Orphanet 352731, Orphanet 79431, MedGen C4551504, MONDO:0008745, OMIM 203100. Disease mechanism: loss of function.
Oculocutaneous albinism type 1B (OCA1B). Also called: YELLOW ALBINISM; ALBINISM, OCULOCUTANEOUS, TYPE IB; ALBINISM, YELLOW MUTANT TYPE. Identifiers: Orphanet 352731, Orphanet 352737, Orphanet 79434, MedGen C1847024, MONDO:0011749, OMIM 606952.

gnomAD v4.1: 47 of 1,613,502 alleles (0.0029%); highest among the groups gnomAD compares: Non-Finnish European, 0.0039%; no homozygotes.

Submissions (6):

Labcorp Genetics (formerly Invitae), Labcorp
Classification: Pathogenic. Last evaluated: 2025-10-29. Review status: criteria provided, single submitter. Criteria: Invitae Variant Classification Sherloc (09022015). Collection method: clinical testing. Allele origin: germline.
Comment: This sequence change replaces asparagine, which is neutral and polar, with lysine, which is basic and polar, at codon 382 of the TYR protein (p.Asn382Lys). This variant is present in population databases (rs104894315, gnomAD 0.002%). This missense change has been observed in individual(s) with ocular albinism (PMID: 1642278, 1905879, 19865097). In at least one individual the data is consistent with being in trans (on the opposite chromosome) from a pathogenic variant. ClinVar contains an entry for this variant (Variation ID: 3786). Invitae Evidence Modeling of protein sequence and biophysical properties (such as structural, functional, and spatial information, amino acid conservation, physicochemical variation, residue mobility, and thermodynamic stability) indicates that this missense variant is expected to disrupt TYR protein function with a positive predictive value of 95%. For these reasons, this variant has been classified as Pathogenic.

GeneDx
Classification: Pathogenic. Last evaluated: 2025-07-25. Review status: criteria provided, single submitter. Criteria: GeneDx Variant Classification Process June 2021. Collection method: clinical testing. Allele origin: germline. Affected: yes.
Comment: Published functional studies found this variant is associated with significantly reduced enzyme activity (PMID: 16293621); In silico analysis supports that this missense variant has a deleterious effect on protein structure/function; Not observed at a significant frequency in large population cohorts (gnomAD); This variant is associated with the following publications: (PMID: 19865097, 7963676, 30868138, 7849740, 10094567, 7886000, 17803231, 1642278, 8128955, 18463683, 26165494, 8477259, 16293621, 1905879, 34838614, 25046395)

Fulgent Genetics
Classification: Pathogenic for Oculocutaneous albinism type 1A; SKIN/HAIR/EYE PIGMENTATION 3, LIGHT/DARK SKIN; Oculocutaneous albinism type 1B. Last evaluated: 2024-03-27. Review status: criteria provided, single submitter. Criteria: ACMG Guidelines, 2015. Collection method: clinical testing. Allele origin: germline.

Baylor Genetics
Classification: Pathogenic for SKIN/HAIR/EYE PIGMENTATION 3, LIGHT/DARK SKIN. Last evaluated: 2023-10-06. Review status: criteria provided, single submitter. Criteria: ACMG Guidelines, 2015. Collection method: clinical testing. Allele origin: unknown.

OMIM
Classification: Pathogenic for ALBINISM, OCULOCUTANEOUS, TYPE IA. Last evaluated: 1991-07-01. Review status: no assertion criteria provided. Collection method: literature only. Allele origin: germline. Not counted in ClinVar's aggregate classification.

Retina International
No classification provided. Review status: no classification provided. Collection method: not provided. Allele origin: not provided. Not counted in ClinVar's aggregate classification.

Literature cited by the submitters: PubMed 1642278 (cited by Labcorp Genetics (formerly Invitae), Labcorp); PubMed 1905879 (cited by Labcorp Genetics (formerly Invitae), Labcorp and OMIM); PubMed 19865097 (cited by Labcorp Genetics (formerly Invitae), Labcorp).